The following is an entry in ClinVar:

ClinVar aggregate classification (germline): Pathogenic. Review status: criteria provided, multiple submitters, no conflicts (2 of 4 stars). 14 submissions from 14 submitters: Pathogenic (10). 4 of the submissions do not count toward it. Last evaluated 2026-01-20.

Conditions:
OBSL1-related disorder. Also called: OBSL1-related condition.
3M syndrome 2. Also called: THREE M SYNDROME 2; 3-M Syndrome, OBSL1-Related. Identifiers: Orphanet 2616, MedGen C2752041, MONDO:0013039, OMIM 612921.

Allele frequency attached by ClinVar (database versions not stated): gnomAD 0.00009 and 0.00011; ExAC 0.00014; TOPMed 0.00015; gnomAD exomes 0.00016 and 0.00037; ESP Exome Variant Server 0.00024.

Submissions (14):

Labcorp Genetics (formerly Invitae), Labcorp
Classification: Pathogenic. Last evaluated: 2026-01-20. Review status: criteria provided, single submitter. Criteria: Invitae Variant Classification Sherloc (09022015). Collection method: clinical testing. Allele origin: germline.
Comment: This sequence change creates a premature translational stop signal (p.Thr425Asnfs*40) in the OBSL1 gene. It is expected to result in an absent or disrupted protein product. Loss-of-function variants in OBSL1 are known to be pathogenic (PMID: 19481195, 19877176). This variant is present in population databases (rs762334954, gnomAD 0.03%). This premature translational stop signal has been observed in individuals with 3-M syndrome (PMID: 19481195, 25923536, 27796265). This variant is also known as c.1273insA, p.T45Nfs*40. ClinVar contains an entry for this variant (Variation ID: 195306). For these reasons, this variant has been classified as Pathogenic.

Blueprint Genetics
Classification: Pathogenic for OBSL1-related disorders. Last evaluated: 2024-09-25. Review status: criteria provided, single submitter. Criteria: ACMG Guidelines, 2015. Collection method: clinical testing. Allele origin: germline. Affected: yes. Observed: 5 variant alleles.

Fulgent Genetics
Classification: Pathogenic for 3M syndrome 2. Last evaluated: 2024-05-14. Review status: criteria provided, single submitter. Criteria: ACMG Guidelines, 2015. Collection method: clinical testing. Allele origin: germline.

Department of Medical Genetics, Sanjay Gandhi Post Graduate Institute of Medical Sciences
Classification: Pathogenic for 3M syndrome 2. Last evaluated: 2023-09-15. Review status: criteria provided, single submitter. Criteria: ACMG Guidelines, 2015. Collection method: research. Allele origin: germline. Inheritance: Autosomal recessive inheritance. Affected: yes. Observed: 1 homozygote.
Comment: This heterozygous single base pair duplication in exon 2 of the OBSL1 gene that results in a frameshift and premature truncation of the protein 40 amino acids downstream to codon 425 (p.Thr425AsnfsTer40) was detected. This variant is predicted to cause loss of normal protein function through protein truncation. Loss of function variants have been previously reported to be disease causing. This variant has been classified as Pathogenic (PP3,PVS1,PM2,PP5)

Foundation for Research in Genetics and Endocrinology, FRIGE's Institute of Human Genetics
Classification: Pathogenic for 3M syndrome 2. Last evaluated: 2023-02-23. Review status: criteria provided, single submitter. Criteria: ACMG Guidelines, 2015. Collection method: clinical testing. Allele origin: germline. Inheritance: Autosomal recessive inheritance. Affected: yes. Observed: 1 heterozygote.
Comment: A heterozygous single base pair duplication in exon 2 of the OBSL1 gene that results in a frameshift and premature truncation of the protein 40 amino acids downstream to codon 425 (p.Thr425AsnfsTer40) was detected. The p.Thr425AsnfsTer40 variant has not been reported in the 1000 genomes databases and has a minor allele frequency of 0.01% in the gnomAD database. The in silico predictions of the variant are damaging by MutationTaster2. The reference codon is conserved across species. In summary, the variant meets our criteria to be classified as pathogenic.

GeneDx
Classification: Pathogenic. Last evaluated: 2022-06-23. Review status: criteria provided, single submitter. Criteria: GeneDx Variant Classification Process June 2021. Collection method: clinical testing. Allele origin: germline. Affected: yes.
Comment: Frameshift variant predicted to result in protein truncation or nonsense mediated decay in a gene for which loss-of-function is a known mechanism of disease; This variant is associated with the following publications: (PMID: 19481195, 25923536, 27796265, 28969986, 29595812, 34597859, 19877176, 34426522, 31589614, 33258289, 33135300, 34006472)

Women's Health and Genetics/Laboratory Corporation of America, LabCorp
Classification: Pathogenic for Three M syndrome 2. Last evaluated: 2019-12-24. Review status: criteria provided, single submitter. Criteria: LabCorp Variant Classification Summary - May 2015. Collection method: clinical testing. Allele origin: germline.
Comment: Variant summary: OBSL1 c.1273dupA (p.Thr425AsnfsX40) results in a premature termination codon, predicted to cause a truncation of the encoded protein or absence of the protein due to nonsense mediated decay, which are commonly known mechanisms for disease. The variant allele was found at a frequency of 0.00016 in 247272 control chromosomes (gnomAD). This frequency is not higher than expected for a pathogenic variant in OBSL1 causing 3-M syndrome 2 (0.00016 vs 0.0011), allowing no conclusion about variant significance. c.1273dupA has been reported in the literature in multiple homozygous- and compound heterozygous individuals affected with 3-M syndrome 2 (e.g. Hanson_2009, Hu_2017). These data indicate that the variant is very likely to be associated with disease. Two clinical diagnostic laboratories have submitted clinical-significance assessments for this variant to ClinVar after 2014 without evidence for independent evaluation, and both of them classified the variant as pathogenic. Based on the evidence outlined above, the variant was classified as pathogenic.

Eurofins Ntd Llc (ga)
Classification: Pathogenic. Last evaluated: 2016-01-12. Review status: criteria provided, single submitter. Criteria: EGL Classification Definitions. Collection method: clinical testing. Allele origin: germline. Observed: 2 variant alleles, 1 heterozygote, 1 homozygote.

Neuberg Centre For Genomic Medicine, NCGM
Classification: Pathogenic for 3M syndrome 2. Review status: criteria provided, single submitter. Criteria: ACMG Guidelines, 2015. Collection method: clinical testing. Allele origin: germline. Inheritance: Autosomal recessive inheritance. Affected: yes.
Comment: The frameshift variant has been reported previously in homozygous state in a patient who presented with prenatal growth retardation and short stature (Keskin M. et al., 2019). This variant is reported with the allele frequency (0.02%) in the gnomad and novel in 1000 genome database. It has been submitted to the ClinVar as a Pathogenic variant. This variant is predicted to cause loss of normal protein function through protein truncation. Loss of function variants have been previously reported to be disease causing. For these reasons, this variant has been classified as Pathogenic.

Suma Genomics
Classification: Pathogenic for 3M syndrome 2. Review status: criteria provided, single submitter. Criteria: ACMG Guidelines, 2015. Collection method: clinical testing. Allele origin: inherited. Inheritance: Autosomal recessive inheritance. Affected: yes.

Division of Human Genetics, Children's Hospital of Philadelphia
Classification: Pathogenic for 3-M syndrome 2. Last evaluated: 2015-06-10. Review status: no assertion criteria provided. Collection method: research. Allele origin: germline. Affected: yes. Study: CSER-PediSeq. Not counted in ClinVar's aggregate classification.
Comment: The OBSL1 variant (c.1273dupA; p.T425fs) is considered pathogenic because it is a frameshift variant predicted to result in a truncated protein containing only one-third of the normal protein. This is a common OBSL1 variant associated with 3-M syndrome reported in 6 families (Huber et al. 2010, PMID 19877176) and 6 families (Hanson et al. 2009, PMID 19481195) mostly in the homozygous state in consanguineous families. This variant is present in 17 alleles out of 121632 alleles in ExAC. Another frameshift variant has been reported downstream of this position

OMIM
Classification: Pathogenic for THREE M SYNDROME 2. Last evaluated: 2009-06-01. Review status: no assertion criteria provided. Collection method: literature only. Allele origin: germline. Not counted in ClinVar's aggregate classification.

Department of Pathology and Laboratory Medicine, Sinai Health System
Classification: Pathogenic. Review status: no assertion criteria provided. Collection method: clinical testing. Allele origin: unknown. Affected: yes. Study: The Canadian Open Genetics Repository (COGR). Not counted in ClinVar's aggregate classification.
Comment: The OBSL1 p.Thr425Asnfs*40 variant was identified in 25 of 50 proband chromosomes (frequency: 0.5) from 25 families with Miller-McKusick-Malvaux (3-M) syndrome (Hanson_2009_PMID:19481195; Huber_2010_PMID:19877176; Marshall_2015_PMID:25923536; Keskin_2017_PMID:27796265). The variant was identified in dbSNP (ID: rs762334954) and ClinVar (classifed as pathogenic by EGL Genetics, Division of Human Genetics, Children's Hospital of Philadelphia and OMIM) but was not identified in Cosmic or LOVD 3.0. The variant was identified in control databases in 46 of 278660 chromosomes at a frequency of 0.000165 (Genome Aggregation Database Feb 27, 2017). The variant was observed in the following populations: European (non-Finnish) in 36 of 126596 chromosomes (freq: 0.000284), South Asian in 5 of 30580 chromosomes (freq: 0.000164), Latino in 4 of 35350 chromosomes (freq: 0.000113) and African in 1 of 24184 chromosomes (freq: 0.000041), but was not observed in the Ashkenazi Jewish, East Asian, European (Finnish) or Other populations. The c.1273dup variant is predicted to cause a frameshift, which alters the protein's amino acid sequence beginning at codon 425 and leads to a premature stop codon 40 codons downstream. This alteration is then predicted to result in a truncated or absent protein and loss of function. Loss of function variants of the OBSL1 gene are an established mechanism of disease in 3-M syndrome and are known to cause the disorder in the homozygous or compound heterozygous state. In summary, based on the above information this variant meets our laboratoryâ€šÃ„Ã´s criteria to be classified as pathogenic.

Pediatric Endocrinology, Ankara Etlik City Hospital
Classification: Pathogenic for 3M syndrome 2. Review status: no assertion criteria provided. Collection method: clinical testing. Allele origin: germline. Inheritance: Autosomal recessive inheritance. Affected: yes. Observed: 7 variant alleles, 1 compound heterozygote, 6 homozygotes. Clinical features observed: Short stature (HP:0004322). Not counted in ClinVar's aggregate classification.
Comment: Molecular analysis of the OBSL1 gene identified a frameshift variant (c.1273dup; p.Thr425fs) in seven patients with clinical features consistent with 3M syndrome, six of whom were in homozygous and one was in compound heterozygous state. This variant results in a premature stop codon leading to truncation of the protein or nonsense mediated decay. Also, loss-of-function variants in OBSL1 gene have been determined to be deleterious. The detected variant has been associated with 3M syndrome in the literature previously. This variant was classified as pathogenic according to the ACMG guidelines.

Literature cited by the submitters: PubMed 19481195 (cited by 6 submitters); PubMed 19877176 (cited by 3 submitters); PubMed 25923536 (cited by Labcorp Genetics (formerly Invitae), Labcorp and Division of Human Genetics, Children's Hospital of Philadelphia); PubMed 27796265 (cited by Labcorp Genetics (formerly Invitae), Labcorp and OMIM); PubMed 28969986 (cited by Women's Health and Genetics/Laboratory Corporation of America, LabCorp); Keskin, M. Personal Communication. 2019. Ankara, Turkey (cited by OMIM).

NM_015311.3(OBSL1):c.1273dup (p.Thr425fs)

Gene: OBSL1 (obscurin like cytoskeletal adaptor 1; minus strand). Cytogenetic location: 2q35.
Variant type: Duplication.
Coding change: c.1273dup on transcript NM_015311.3 (MANE Select); coding-DNA position 1273, one base duplicated (A; older notation c.1273dupA).
Protein change: p.Thr425fs; shifts the reading frame from threonine 425.
Molecular consequence: frameshift variant.
Genome position (GRCh38, 1-based): chr2:219,568,064, T duplicated on the plus strand (A on the coding strand, the reverse complement: OBSL1 is on the minus strand). VCF-style (leftmost placement, unchanged base first): chr2-219568063-G-GT. GRCh37 (hg19) VCF-style: chr2-220432785-G-GT.
Other names: p.Thr425AsnfsTer40; c.1273dup, p.Thr425fs (NM_001173408.2, NM_001173431.2); c.1273dupA (NM_015311.2); short protein forms T425fs.
Identifiers: ClinVar variation 195306 (VCV000195306.24), dbSNP rs762334954, ClinGen allele CA275079.